The following is an entry in ClinVar:

NM_005215.4(DCC):c.3271A>T (p.Thr1091Ser)

Gene: DCC (DCC netrin 1 receptor; plus strand). Cytogenetic location: 18q21.2.
Variant type: single nucleotide variant.
Coding change: c.3271A>T on transcript NM_005215.4 (MANE Select); coding-DNA position 3271, A replaced by T.
Protein change: p.Thr1091Ser; replaces threonine 1091 with serine.
Molecular consequence: missense variant.
Genome position (GRCh38, 1-based): chr18:53,450,541, A>T. VCF-style: chr18-53450541-A-T. GRCh37 (hg19) VCF-style: chr18-50976911-A-T.
Other names: short protein forms T1091S.
Identifiers: ClinVar variation 2662289 (VCV002662289.2), dbSNP rs2511422703, ClinGen allele CA402515622.

ClinVar aggregate classification (germline): Uncertain significance (1 of 4 stars; one submission).

Submission:

GeneDx
Classification: Uncertain significance. Last evaluated: 2025-08-04. Review status: criteria provided, single submitter. Criteria: GeneDx Variant Classification Process June 2021. Collection method: clinical testing. Allele origin: germline.
Comment: Not observed at significant frequency in large population cohorts (gnomAD); In silico analysis suggests that this missense variant does not alter protein structure/function; Has not been previously published as pathogenic or benign to our knowledge